The following is an entry in ClinVar:

NM_001127644.2(GABRA1):c.1229A>G (p.Lys410Arg)

Gene: GABRA1 (gamma-aminobutyric acid type A receptor subunit alpha1; plus strand). Cytogenetic location: 5q34.
Variant type: single nucleotide variant.
Coding change: c.1229A>G on transcript NM_001127644.2 (MANE Select); coding-DNA position 1229, A replaced by G.
Protein change: p.Lys410Arg; replaces lysine 410 with arginine.
Molecular consequence: missense variant.
Genome position (GRCh38, 1-based): chr5:161,897,280, A>G. VCF-style: chr5-161897280-A-G. GRCh37 (hg19) VCF-style: chr5-161324286-A-G.
Other names: c.1229A>G, p.Lys410Arg (NM_000806.5, NM_001127643.2, NM_001127645.2 and 1 more transcripts); short protein forms K410R.
Identifiers: ClinVar variation 497531 (VCV000497531.14), dbSNP rs376031361, ClinGen allele CA131087924.
Genomic context (GRCh38, chr5:161,897,280, plus strand): 5'-CTAAAAGTGCAACCATAGAACCTAAAGAGGTCAAGCCCGAAACAAAACCACCAGAACCCA[A>G]GAAAACCTTTAACAGTGTCAGCAAAATTGACCGACTGTCAAGAATAGCCTTCCCGCTGCT-3'
Protein context (NP_001121116.1, residues 400-420): VKPETKPPEP[Lys410Arg]KTFNSVSKID

ClinVar aggregate classification (germline): Uncertain significance. Review status: criteria provided, multiple submitters, no conflicts (2 of 4 stars). 2 submissions from 2 submitters: Uncertain significance (2). Last evaluated 2025-01-25.

Conditions:
Idiopathic generalized epilepsy. Also called: EIG; Generalised epilepsy. Identifiers: MedGen C0270850, MONDO:0005579, OMIM 600669.
Epilepsy, childhood absence 4 (ECA4). Also called: EPILEPSY, CHILDHOOD ABSENCE, SUSCEPTIBILITY TO, 4. Identifiers: Orphanet 307, MedGen C1970160.
Epilepsy, idiopathic generalized, susceptibility to, 13. Also called: EPILEPSY, JUVENILE MYOCLONIC, SUSCEPTIBILITY TO, 5. Identifiers: Orphanet 307, Orphanet 64280, MedGen C4013473, MONDO:0012627, OMIM 611136.

Allele frequency attached by ClinVar (database versions not stated): gnomAD exomes below 0.00001 and 0.00001; gnomAD 0.00003 and 0.00004; TOPMed 0.00004; ESP Exome Variant Server 0.00008.
gnomAD v4.1: 6 of 1,614,060 alleles (0.00037%); highest among the groups gnomAD compares: African/African-American, 0.008%; no homozygotes.

Submissions (2):

Labcorp Genetics (formerly Invitae), Labcorp
Classification: Uncertain significance for Epilepsy, childhood absence 4; Epilepsy, idiopathic generalized, susceptibility to, 13; Idiopathic generalized epilepsy. Last evaluated: 2025-01-25. Review status: criteria provided, single submitter. Criteria: Invitae Variant Classification Sherloc (09022015). Collection method: clinical testing. Allele origin: germline.
Comment: This sequence change replaces lysine, which is basic and polar, with arginine, which is basic and polar, at codon 410 of the GABRA1 protein (p.Lys410Arg). This variant is present in population databases (rs376031361, gnomAD 0.01%). This variant has not been reported in the literature in individuals affected with GABRA1-related conditions. ClinVar contains an entry for this variant (Variation ID: 497531). Invitae Evidence Modeling of protein sequence and biophysical properties (such as structural, functional, and spatial information, amino acid conservation, physicochemical variation, residue mobility, and thermodynamic stability) has been performed for this missense variant. However, the output from this modeling did not meet the statistical confidence thresholds required to predict the impact of this variant on GABRA1 protein function. Experimental studies have shown that this missense change does not substantially affect GABRA1 function (PMID: 27622563). In summary, the available evidence is currently insufficient to determine the role of this variant in disease. Therefore, it has been classified as a Variant of Uncertain Significance.

Eurofins Ntd Llc (ga)
Classification: Uncertain significance. Last evaluated: 2016-10-11. Review status: criteria provided, single submitter. Criteria: EGL Classification Definitions 2015. Collection method: clinical testing. Allele origin: germline. Observed: 1 variant allele, 1 heterozygote.

Literature cited by the submitters: PubMed 27622563 (cited by Labcorp Genetics (formerly Invitae), Labcorp).